The following is an entry in ClinVar:

NM_001360.3(DHCR7):c.412+3A>G

Gene: DHCR7 (7-dehydrocholesterol reductase; minus strand). Cytogenetic location: 11q13.4.
Variant type: single nucleotide variant.
Coding change: c.412+3A>G on transcript NM_001360.3 (MANE Select); 3 bases into the intron after coding-DNA position 412, A replaced by G.
Molecular consequence: intron variant.
Genome position (GRCh38, 1-based): chr11:71,442,260, T>C on the plus strand (A>G on the coding strand, the complement: DHCR7 is on the minus strand). VCF-style: chr11-71442260-T-C. GRCh37 (hg19) VCF-style: chr11-71153306-T-C.
Other names: c.412+3A>G (NM_001163817.2).
Identifiers: ClinVar variation 658384 (VCV000658384.8), dbSNP rs786200926, ClinGen allele CA915948244.

ClinVar aggregate classification (germline): Uncertain significance (1 of 4 stars; one submission).

Conditions:
Smith-Lemli-Opitz syndrome (SLOS). Also called: POLYDACTYLY, SEX REVERSAL, RENAL HYPOPLASIA, AND UNILOBAR LUNG; RSH SYNDROME; RUTLEDGE LETHAL MULTIPLE CONGENITAL ANOMALY SYNDROME; 7-Dehydrocholesterol reductase deficiency; LETHAL ACRODYSGENITAL SYNDROME. Identifiers: Orphanet 818, MedGen C0175694, MONDO:0010035, OMIM 270400.

Submission:

Labcorp Genetics (formerly Invitae), Labcorp
Classification: Uncertain significance for Smith-Lemli-Opitz syndrome. Last evaluated: 2022-01-11. Review status: criteria provided, single submitter. Criteria: Invitae Variant Classification Sherloc (09022015). Collection method: clinical testing. Allele origin: germline.
Comment: This variant has been observed in individual(s) with clinical features of Smith-Lemli-Opitz syndrome (Invitae). In summary, the available evidence is currently insufficient to determine the role of this variant in disease. Therefore, it has been classified as a Variant of Uncertain Significance. This variant disrupts the c.412+3A nucleotide in the DHCR7 gene. Other variant(s) that disrupt this nucleotide have been determined to be pathogenic (PMID: 20635399). This suggests that this nucleotide is clinically significant, and that variants that disrupt this position are likely to be disease-causing. Variants that disrupt the consensus splice site are a relatively common cause of aberrant splicing (PMID: 17576681, 9536098). Algorithms developed to predict the effect of sequence changes on RNA splicing suggest that this variant may disrupt the consensus splice site. ClinVar contains an entry for this variant (Variation ID: 658384). This variant is not present in population databases (gnomAD no frequency). This sequence change falls in intron 5 of the DHCR7 gene. It does not directly change the encoded amino acid sequence of the DHCR7 protein. It affects a nucleotide within the consensus splice site.

Literature cited by the submitters: PubMed 20635399; PubMed 17576681; PubMed 9536098.